The following is an entry in ClinVar:

ClinVar aggregate classification (germline): Likely pathogenic (1 of 4 stars; one submission).

Conditions:
Seizures, benign familial infantile, 3 (BFIS3). Also called: CONVULSIONS, BENIGN FAMILIAL INFANTILE, 3; Familial neonatal seizures. Identifiers: Orphanet 140927, Orphanet 306, MedGen C1843140, MONDO:0011904, OMIM 607745.
Developmental and epileptic encephalopathy, 11 (DEE11). Also called: Early infantile epileptic encephalopathy 11. Identifiers: Orphanet 1934, MedGen C3150987, MONDO:0013388, OMIM 613721.

Submission:

Labcorp Genetics (formerly Invitae), Labcorp
Classification: Likely pathogenic for Seizures, benign familial infantile, 3; Developmental and epileptic encephalopathy, 11. Last evaluated: 2020-04-08. Review status: criteria provided, single submitter. Criteria: Invitae Variant Classification Sherloc (09022015). Collection method: clinical testing. Allele origin: germline.
Comment: This sequence change replaces phenylalanine with valine at codon 196 of the SCN2A protein (p.Phe196Val). The phenylalanine residue is highly conserved and there is a small physicochemical difference between phenylalanine and valine. This variant is not present in population databases (ExAC no frequency). This variant has been observed in individual(s) with clinical features of SCN2A-related conditions (Invitae). In at least one individual the variant was observed to be de novo. Algorithms developed to predict the effect of missense changes on protein structure and function are either unavailable or do not agree on the potential impact of this missense change (SIFT: "Deleterious"; PolyPhen-2: "Probably Damaging"; Align-GVGD: "Class C0"). In summary, the currently available evidence indicates that the variant is pathogenic, but additional data are needed to prove that conclusively. Therefore, this variant has been classified as Likely Pathogenic.

NM_001040142.2(SCN2A):c.586T>G (p.Phe196Val)

Gene: SCN2A (sodium voltage-gated channel alpha subunit 2; plus strand). Cytogenetic location: 2q24.3.
Variant type: single nucleotide variant.
Coding change: c.586T>G on transcript NM_001040142.2 (MANE Select); coding-DNA position 586, T replaced by G.
Protein change: p.Phe196Val; replaces phenylalanine 196 with valine.
Molecular consequence: missense variant.
Genome position (GRCh38, 1-based): chr2:165,308,775, T>G. VCF-style: chr2-165308775-T-G. GRCh37 (hg19) VCF-style: chr2-166165285-T-G.
Other names: c.586T>G, p.Phe196Val (NM_001040143.2, NM_001371246.1, NM_001371247.1 and 1 more transcripts); short protein forms F196V.
Identifiers: ClinVar variation 1067056 (VCV001067056.11), dbSNP rs2105243497, ClinGen allele CA349016726.